The following is an entry in ClinVar:

ClinVar aggregate classification (germline): Uncertain significance (1 of 4 stars; one submission).

Submission:

CeGaT Center for Human Genetics Tuebingen
Classification: Uncertain significance. Last evaluated: 2024-08-01. Review status: criteria provided, single submitter. Criteria: CeGaT Center For Human Genetics Tuebingen Variant Classification Criteria Version 2. Collection method: clinical testing. Allele origin: germline. Affected: yes. Observed: 1 variant allele.
Comment: SPTLC1: PM2

NM_006415.4(SPTLC1):c.1328+917G>A

Gene: SPTLC1 (serine palmitoyltransferase long chain base subunit 1; minus strand). Cytogenetic location: 9q22.31.
Variant type: single nucleotide variant.
Coding change: c.1328+917G>A on transcript NM_006415.4 (MANE Select); 917 bases into the intron after coding-DNA position 1328, G replaced by A.
Molecular consequence: intron variant.
Genome position (GRCh38, 1-based): chr9:92,033,893, C>T on the plus strand (G>A on the coding strand, the complement: SPTLC1 is on the minus strand). VCF-style: chr9-92033893-C-T. GRCh37 (hg19) VCF-style: chr9-94796175-C-T.
Other names: c.1328+917G>A (NM_001281303.2); c.962+917G>A (NM_001368272.1); c.863+917G>A (NM_001368273.1).
Identifiers: ClinVar variation 3342216 (VCV003342216.16).